The following is an entry in ClinVar:

NM_001184.4(ATR):c.914T>C (p.Phe305Ser)

Gene: ATR (ATR checkpoint kinase; minus strand). Cytogenetic location: 3q23.
Variant type: single nucleotide variant.
Coding change: c.914T>C on transcript NM_001184.4 (MANE Select); coding-DNA position 914, T replaced by C.
Protein change: p.Phe305Ser; replaces phenylalanine 305 with serine.
Molecular consequence: missense variant.
Genome position (GRCh38, 1-based): chr3:142,562,488, A>G on the plus strand (T>C on the coding strand, the complement: ATR is on the minus strand). VCF-style: chr3-142562488-A-G. GRCh37 (hg19) VCF-style: chr3-142281330-A-G.
Other names: c.914T>C, p.Phe305Ser (NM_001354579.2); short protein forms F305S.
Identifiers: ClinVar variation 1905592 (VCV001905592.2), dbSNP rs149129526, ClinGen allele CA2650704.

ClinVar aggregate classification (germline): Uncertain significance (1 of 4 stars; one submission).

Allele frequency attached by ClinVar (database versions not stated): gnomAD exomes 0.00002; ExAC 0.00004; gnomAD 0.00007; TOPMed 0.00013; 1000 Genomes Project 30x 0.00016; 1000 Genomes Project 0.00020; ESP Exome Variant Server 0.00023.
gnomAD v4.1: 33 of 1,614,162 alleles (0.002%); highest among the groups gnomAD compares: African/African-American, 0.043%; no homozygotes.

Submission:

Labcorp Genetics (formerly Invitae), Labcorp
Classification: Uncertain significance. Last evaluated: 2022-10-13. Review status: criteria provided, single submitter. Criteria: Invitae Variant Classification Sherloc (09022015). Collection method: clinical testing. Allele origin: germline.
Comment: This sequence change replaces phenylalanine, which is neutral and non-polar, with serine, which is neutral and polar, at codon 305 of the ATR protein (p.Phe305Ser). This variant is present in population databases (rs149129526, gnomAD 0.03%). This variant has not been reported in the literature in individuals affected with ATR-related conditions. Algorithms developed to predict the effect of missense changes on protein structure and function output the following: SIFT: "Tolerated"; PolyPhen-2: "Benign"; Align-GVGD: "Class C0". The serine amino acid residue is found in multiple mammalian species, which suggests that this missense change does not adversely affect protein function. Experimental studies have shown that this missense change does not substantially affect ATR function (PMID: 24663817). In summary, the available evidence is currently insufficient to determine the role of this variant in disease. Therefore, it has been classified as a Variant of Uncertain Significance.

Literature cited by the submitters: PubMed 24663817.